The following is an entry in ClinVar:

ClinVar aggregate classification (germline): Uncertain significance. Review status: criteria provided, multiple submitters, no conflicts (2 of 4 stars). 4 submissions from 4 submitters: Uncertain significance (2). 2 of the submissions do not count toward it. Last evaluated 2025-04-24.

Conditions:
CELSR2-related disorder. Also called: CELSR2-related condition.
Idiopathic scoliosis. Identifiers: MedGen C0595995, MONDO:0000726.

Allele frequency attached by ClinVar (database versions not stated): TOPMed 0.00123; ESP Exome Variant Server 0.00177.
gnomAD v4.1: 2,676 of 1,613,936 alleles (0.17%); highest among the groups gnomAD compares: Non-Finnish European, 0.21%; 3 homozygotes.

Submissions (4):

Labcorp Genetics (formerly Invitae), Labcorp
Classification: Uncertain significance. Last evaluated: 2025-04-24. Review status: criteria provided, single submitter. Criteria: Invitae Variant Classification Sherloc (09022015). Collection method: clinical testing. Allele origin: germline.
Comment: This sequence change replaces valine, which is neutral and non-polar, with isoleucine, which is neutral and non-polar, at codon 2287 of the CELSR2 protein (p.Val2287Ile). This variant is present in population databases (rs141489111, gnomAD 0.2%), and has an allele count higher than expected for a pathogenic variant. This missense change has been observed in individual(s) with CELSR2-related conditions (PMID: 29240829). ClinVar contains an entry for this variant (Variation ID: 397652). Invitae Evidence Modeling of protein sequence and biophysical properties (such as structural, functional, and spatial information, amino acid conservation, physicochemical variation, residue mobility, and thermodynamic stability) indicates that this missense variant is not expected to disrupt CELSR2 protein function with a negative predictive value of 80%. In summary, the available evidence is currently insufficient to determine the role of this variant in disease. Therefore, it has been classified as a Variant of Uncertain Significance.

Breakthrough Genomics
Classification: Uncertain significance. Review status: criteria provided, single submitter. Criteria: ACMG Guidelines, 2015. Collection method: not provided. Allele origin: germline. Inheritance: Unknown mechanism. Affected: yes.

PreventionGenetics, part of Exact Sciences
Classification: Likely benign for CELSR2-related condition. Last evaluated: 2023-04-08. Review status: no assertion criteria provided. Collection method: clinical testing. Allele origin: germline. Not counted in ClinVar's aggregate classification.
Comment: This variant is classified as likely benign based on ACMG/AMP sequence variant interpretation guidelines (Richards et al. 2015 PMID: 25741868, with internal and published modifications).

Kere lab, Karolinska Institutet
Classification: Uncertain significance for Idiopathic scoliosis. Last evaluated: 2017-01-27. Review status: no assertion criteria provided. Collection method: research. Allele origin: germline. Inheritance: Autosomal dominant inheritance. Affected: yes. Observed: 12 variant alleles, 12 heterozygotes. Not counted in ClinVar's aggregate classification.
Comment: Variant co-segregating with idiopathic scoliosis in a multiplex pedigree. Putative autosomal dominant inheritance with reduced penetrance.

Literature cited by the submitters: PubMed 29240829 (cited by Labcorp Genetics (formerly Invitae), Labcorp and Kere lab, Karolinska Institutet).

NM_001408.3(CELSR2):c.6859G>A (p.Val2287Ile)

Gene: CELSR2 (cadherin EGF LAG seven-pass G-type receptor 2; plus strand). Cytogenetic location: 1p13.3.
Variant type: single nucleotide variant.
Coding change: c.6859G>A on transcript NM_001408.3 (MANE Select); coding-DNA position 6859, G replaced by A.
Protein change: p.Val2287Ile; replaces valine 2287 with isoleucine.
Molecular consequence: missense variant.
Genome position (GRCh38, 1-based): chr1:109,269,470, G>A. VCF-style: chr1-109269470-G-A. GRCh37 (hg19) VCF-style: chr1-109812092-G-A.
Other names: c.6859G>A (NM_001408.2); short protein forms V2287I.
Identifiers: ClinVar variation 397652 (VCV000397652.9), dbSNP rs141489111, ClinGen allele CA988032.